The following is an entry in ClinVar:

NM_024678.6(NARS2):c.1163C>T (p.Thr388Met)

Genes: NARS2 (asparaginyl-tRNA synthetase 2, mitochondrial; minus strand), LOC130006506 (ATAC-STARR-seq lymphoblastoid active region 5325; plus strand). Cytogenetic location: 11q14.1.
Variant type: single nucleotide variant.
Coding change: c.1163C>T on transcript NM_024678.6 (MANE Select); coding-DNA position 1163, C replaced by T.
Protein change: p.Thr388Met; replaces threonine 388 with methionine.
Molecular consequence: missense variant. On other transcripts: non-coding transcript variant (4), intron variant (2).
Genome position (GRCh38, 1-based): chr11:78,465,877, G>A on the plus strand (C>T on the coding strand, the complement: NARS2 is on the minus strand). VCF-style: chr11-78465877-G-A. GRCh37 (hg19) VCF-style: chr11-78176923-G-A.
Other names: c.482C>T, p.Thr161Met (NM_001243251.2, NM_001425312.1, NM_001425313.1 and 1 more transcripts); c.1286C>T, p.Thr429Met (NM_001425299.1); c.1163C>T, p.Thr388Met (NM_001425300.1, NM_001425305.1); c.1091C>T, p.Thr364Met (NM_001425301.1); c.1082C>T, p.Thr361Met (NM_001425302.1, NM_001425303.1); c.935C>T, p.Thr312Met (NM_001425307.1); c.932C>T, p.Thr311Met (NM_001425308.1); c.893C>T, p.Thr298Met (NM_001425309.1); and 4 more; short protein forms T161M, T171M, T202M, T298M, T311M, T312M, T361M, T364M.
Identifiers: ClinVar variation 5005000 (VCV005005000.2).

ClinVar aggregate classification (germline): Uncertain significance (1 of 4 stars; one submission).

Conditions:
Combined oxidative phosphorylation defect type 24. Also called: Combined oxidative phosphorylation deficiency 24. Identifiers: Orphanet 444458, MedGen C4015643, MONDO:0014547, OMIM 616239.
Hearing loss, autosomal recessive 94. Also called: Deafness, autosomal recessive 94. Identifiers: MedGen C5193096, MONDO:0032749, OMIM 618434.

gnomAD v4.1: 25 of 1,613,848 alleles (0.0015%); highest among the groups gnomAD compares: Non-Finnish European, 0.002%; no homozygotes.

Submission:

Juno Genomics, Hangzhou Juno Genomics, Inc
Classification: Uncertain significance for Hearing loss, autosomal recessive 94; Combined oxidative phosphorylation defect type 24. Review status: criteria provided, single submitter. Criteria: ACMG Guidelines, 2015. Collection method: clinical testing. Allele origin: germline.
Comment: Absent from controls (or at extremely low frequency if recessive) in Genome Aggregation Database.;Multiple lines of computational evidence support a deleterious effect on the gene or gene product.